The following is an entry in ClinVar:

ClinVar aggregate classification (germline): Likely pathogenic (1 of 4 stars; one submission).

Conditions:
Lymphatic malformation 6 (LMPHM6). Also called: GENERALIZED LYMPHATIC DYSPLASIA OF FOTIOU; Lymphedema, hereditary, III; PIEZO1-related generalized lymphatic dysplasia with non-immune hydrops fetalis. Identifiers: Orphanet 568062, MedGen C4225184, MONDO:0014797, OMIM 616843.

Submission:

3billion
Classification: Likely pathogenic for Lymphatic malformation 6. Last evaluated: 2026-01-08. Review status: criteria provided, single submitter. Criteria: ACMG Guidelines, 2015. Collection method: clinical testing. Allele origin: germline. Affected: yes.
Comment: The variant is not observed in the gnomAD v4.1.0 dataset. Predicted Consequence/Location: Frameshift: predicted to result in a loss or disruption of normal protein function through nonsense-mediated decay (NMD) or protein truncation. Multiple pathogenic variants are reported downstream of the variant. Therefore, this variant is classified as Likely pathogenic according to the recommendation of ACMG/AMP guideline.

NM_001142864.4(PIEZO1):c.3558_3559insT (p.Leu1187fs)

Gene: PIEZO1 (piezo type mechanosensitive ion channel component 1 (Er blood group); minus strand). Cytogenetic location: 16q24.3.
Variant type: Insertion.
Coding change: c.3558_3559insT on transcript NM_001142864.4 (MANE Select); coding-DNA positions 3558 to 3559, T inserted.
Protein change: p.Leu1187fs; shifts the reading frame from leucine 1187.
Molecular consequence: frameshift variant.
Genome position: GRCh38 VCF-style: chr16-88726855-G-GA. GRCh37 (hg19) VCF-style: chr16-88793263-G-GA.
Other names: short protein forms L1187fs.
Identifiers: ClinVar variation 4854586 (VCV004854586.1).
Genomic context (GRCh38, chr16:88,726,855, plus strand): 5'-CCCTCTGCAGCAGGGCCGTGCCGAAGAGCAGCAGGTAGAAGCAGGCCAGCAGGTAGCCCA[G>GA]CCCGAAGATGCTGATGCGGGTGGCCCCCGTGACAAACACCACCACCAGCACCAGCCAGAA-3'